The following is an entry in ClinVar:

ClinVar aggregate classification (germline): Uncertain significance (1 of 4 stars; one submission).

Submission:

Labcorp Genetics (formerly Invitae), Labcorp
Classification: Uncertain significance. Last evaluated: 2023-08-02. Review status: criteria provided, single submitter. Criteria: Invitae Variant Classification Sherloc (09022015). Collection method: clinical testing. Allele origin: germline.
Comment: This sequence change replaces lysine, which is basic and polar, with asparagine, which is neutral and polar, at codon 394 of the ALPK3 protein (p.Lys394Asn). This variant is not present in population databases (gnomAD no frequency). This variant has not been reported in the literature in individuals affected with ALPK3-related conditions. An algorithm developed to predict the effect of missense changes on protein structure and function (PolyPhen-2) suggests that this variant is likely to be disruptive. In summary, the available evidence is currently insufficient to determine the role of this variant in disease. Therefore, it has been classified as a Variant of Uncertain Significance.

NM_020778.5(ALPK3):c.576G>T (p.Lys192Asn)

Gene: ALPK3 (alpha kinase 3; plus strand). Cytogenetic location: 15q25.3.
Variant type: single nucleotide variant.
Coding change: c.576G>T on transcript NM_020778.5 (MANE Select); coding-DNA position 576, G replaced by T.
Protein change: p.Lys192Asn; replaces lysine 192 with asparagine.
Molecular consequence: missense variant.
Genome position (GRCh38, 1-based): chr15:84,839,855, G>T. VCF-style: chr15-84839855-G-T. GRCh37 (hg19) VCF-style: chr15-85383086-G-T.
Other names: short protein forms K192N.
Identifiers: ClinVar variation 2749300 (VCV002749300.3), dbSNP rs756921794, ClinGen allele CA393372947.